The following is an entry in ClinVar:

ClinVar aggregate classification (germline): Uncertain significance (1 of 4 stars; one submission).

Allele frequency attached by ClinVar (database versions not stated): gnomAD exomes below 0.00001.

Submission:

Labcorp Genetics (formerly Invitae), Labcorp
Classification: Uncertain significance. Last evaluated: 2025-09-08. Review status: criteria provided, single submitter. Criteria: Invitae Variant Classification Sherloc (09022015). Collection method: clinical testing. Allele origin: germline.
Comment: This sequence change replaces arginine, which is basic and polar, with cysteine, which is neutral and slightly polar, at codon 1445 of the ARID1A protein (p.Arg1445Cys). This variant is present in population databases (no rsID available, gnomAD 0.0009%). This variant has not been reported in the literature in individuals affected with ARID1A-related conditions. ClinVar contains an entry for this variant (Variation ID: 2178787). Invitae Evidence Modeling of protein sequence and biophysical properties (such as structural, functional, and spatial information, amino acid conservation, physicochemical variation, residue mobility, and thermodynamic stability) indicates that this missense variant is expected to disrupt ARID1A protein function with a positive predictive value of 80%. In summary, the available evidence is currently insufficient to determine the role of this variant in disease. Therefore, it has been classified as a Variant of Uncertain Significance.

NM_006015.6(ARID1A):c.4333C>T (p.Arg1445Cys)

Gene: ARID1A (AT-rich interaction domain 1A; plus strand). Cytogenetic location: 1p36.11.
Variant type: single nucleotide variant.
Coding change: c.4333C>T on transcript NM_006015.6 (MANE Select); coding-DNA position 4333, C replaced by T.
Protein change: p.Arg1445Cys; replaces arginine 1445 with cysteine.
Molecular consequence: missense variant. On other transcripts: intron variant (1).
Genome position (GRCh38, 1-based): chr1:26,774,560, C>T. VCF-style: chr1-26774560-C-T. GRCh37 (hg19) VCF-style: chr1-27101051-C-T.
Other names: c.4102-420C>T (NM_139135.4); short protein forms R1445C.
Identifiers: ClinVar variation 2178787 (VCV002178787.4), dbSNP rs1471914196, ClinGen allele CA339174612.